The following is an entry in ClinVar:

NM_005050.4(ABCD4):c.5C>T (p.Ala2Val)

Gene: ABCD4 (ATP binding cassette subfamily D member 4; minus strand). Cytogenetic location: 14q24.3.
Variant type: single nucleotide variant.
Coding change: c.5C>T on transcript NM_005050.4 (MANE Select); coding-DNA position 5, C replaced by T.
Protein change: p.Ala2Val; replaces alanine 2 with valine.
Molecular consequence: missense variant. On other transcripts: 5 prime UTR variant (19), non-coding transcript variant (10).
Genome position (GRCh38, 1-based): chr14:74,302,908, G>A on the plus strand (C>T on the coding strand, the complement: ABCD4 is on the minus strand). VCF-style: chr14-74302908-G-A. GRCh37 (hg19) VCF-style: chr14-74769611-G-A.
Other names: c.5C>T, p.Ala2Val (NM_001353591.2, NM_001353592.2, NM_020325.3); c.-138C>T (NM_001353593.2, NM_001353594.2); c.-405C>T (NM_001353595.2); c.-277C>T (NM_001353596.2, NM_001353597.2); c.-226C>T (NM_001353598.2); c.-333C>T (NM_001353599.2, NM_020324.3); c.-345C>T (NM_001353600.2); c.-205C>T (NM_001353601.2); and 6 more; short protein forms A2V.
Identifiers: ClinVar variation 1059872 (VCV001059872.5), dbSNP rs368445200, ClinGen allele CA7267380.
Genomic context (GRCh38, chr14:74,302,908, plus strand): 5'-AACCTCCTCCCCGACCGCCCTGCTTACCTGGCGCCAGCTCCGGGCGCGGGCCCCGCGACC[G>A]CCATGACCTGAGACCCGAGGGACTCTGGAGCCCAGCTGCCCCTAGTTCAGTACTGGGTAG-3'
Protein context (NP_005041.1, residues 1-12): M[Ala2Val]VAGPAPGAGA

ClinVar aggregate classification (germline): Uncertain significance (1 of 4 stars; one submission).

Conditions:
Methylmalonic acidemia with homocystinuria, type cblJ (MAHCJ). Also called: METHYLMALONIC ACIDURIA AND HOMOCYSTINURIA, cblJ TYPE. Identifiers: Orphanet 369955, MedGen C3553915, MONDO:0013925, OMIM 614857.

Allele frequency attached by ClinVar (database versions not stated): gnomAD exomes 0.00004 and 0.00011; TOPMed 0.00006; gnomAD 0.00009 and 0.00011; ESP Exome Variant Server 0.00015; 1000 Genomes Project 30x 0.00016; ExAC 0.00017; 1000 Genomes Project 0.00020.
gnomAD v4.1: 84 of 1,607,658 alleles (0.0052%); highest among the groups gnomAD compares: South Asian, 0.043%; 1 homozygote.

Submission:

Labcorp Genetics (formerly Invitae), Labcorp
Classification: Uncertain significance for Methylmalonic acidemia with homocystinuria, type cblJ. Last evaluated: 2023-10-03. Review status: criteria provided, single submitter. Criteria: Invitae Variant Classification Sherloc (09022015). Collection method: clinical testing. Allele origin: germline.
Comment: This sequence change replaces alanine, which is neutral and non-polar, with valine, which is neutral and non-polar, at codon 2 of the ABCD4 protein (p.Ala2Val). This variant is present in population databases (rs368445200, gnomAD 0.05%). This variant has not been reported in the literature in individuals affected with ABCD4-related conditions. ClinVar contains an entry for this variant (Variation ID: 1059872). Advanced modeling of protein sequence and biophysical properties (such as structural, functional, and spatial information, amino acid conservation, physicochemical variation, residue mobility, and thermodynamic stability) performed at Invitae indicates that this missense variant is not expected to disrupt ABCD4 protein function. In summary, the available evidence is currently insufficient to determine the role of this variant in disease. Therefore, it has been classified as a Variant of Uncertain Significance.